The following is an entry in ClinVar:

ClinVar aggregate classification (germline): Uncertain significance (1 of 4 stars; one submission).

Conditions:
LAMA2-related muscular dystrophy (LAMA2-RD). Also called: Laminin alpha 2-related dystrophy. Identifiers: MedGen C5679788, MONDO:0100228.

Allele frequency attached by ClinVar (database versions not stated): ExAC 0.00001; gnomAD exomes 0.00001.
gnomAD v4.1: 3 of 1,613,702 alleles (0.00019%); highest among the groups gnomAD compares: Admixed American, 0.0017%; no homozygotes.

Submission:

Labcorp Genetics (formerly Invitae), Labcorp
Classification: Uncertain significance for LAMA2-related muscular dystrophy. Last evaluated: 2022-10-17. Review status: criteria provided, single submitter. Criteria: Invitae Variant Classification Sherloc (09022015). Collection method: clinical testing. Allele origin: germline.
Comment: This sequence change replaces alanine, which is neutral and non-polar, with threonine, which is neutral and polar, at codon 350 of the LAMA2 protein (p.Ala350Thr). In summary, the available evidence is currently insufficient to determine the role of this variant in disease. Therefore, it has been classified as a Variant of Uncertain Significance. Advanced modeling of protein sequence and biophysical properties (such as structural, functional, and spatial information, amino acid conservation, physicochemical variation, residue mobility, and thermodynamic stability) performed at Invitae indicates that this missense variant is not expected to disrupt LAMA2 protein function. This variant has not been reported in the literature in individuals affected with LAMA2-related conditions. This variant is present in population databases (rs748922842, gnomAD 0.003%).

NM_000426.4(LAMA2):c.1048G>A (p.Ala350Thr)

Gene: LAMA2 (laminin subunit alpha 2; plus strand). Cytogenetic location: 6q22.33.
Variant type: single nucleotide variant.
Coding change: c.1048G>A on transcript NM_000426.4 (MANE Select); coding-DNA position 1048, G replaced by A.
Protein change: p.Ala350Thr; replaces alanine 350 with threonine.
Molecular consequence: missense variant.
Genome position (GRCh38, 1-based): chr6:129,154,525, G>A. VCF-style: chr6-129154525-G-A. GRCh37 (hg19) VCF-style: chr6-129475670-G-A.
Other names: c.1048G>A, p.Ala350Thr (NM_001079823.2); short protein forms A350T.
Identifiers: ClinVar variation 2183972 (VCV002183972.4), dbSNP rs748922842, ClinGen allele CA3992516.